The following is an entry in ClinVar:

NM_001379500.1(COL18A1):c.14G>A (p.Cys5Tyr)

Genes: COL18A1 (collagen type XVIII alpha 1 chain; plus strand), BNAT1 (breast cancer associated ESR1 regulating natural antisense transcript 1; minus strand). Cytogenetic location: 21q22.3.
Variant type: single nucleotide variant.
Coding change: c.14G>A on transcript NM_001379500.1 (MANE Select); coding-DNA position 14, G replaced by A.
Protein change: p.Cys5Tyr; replaces cysteine 5 with tyrosine.
Molecular consequence: missense variant.
Genome position (GRCh38, 1-based): chr21:45,405,381, G>A. VCF-style: chr21-45405381-G-A. GRCh37 (hg19) VCF-style: chr21-46825296-G-A.
Other names: short protein forms C5Y.
Identifiers: ClinVar variation 1418518 (VCV001418518.3), dbSNP rs1238242720, ClinGen allele CA410620259.

ClinVar aggregate classification (germline): Uncertain significance (1 of 4 stars; one submission).

gnomAD v4.1: 4 of 1,293,728 alleles (0.00031%); highest among the groups gnomAD compares: East Asian, 0.0035%; no homozygotes.

Submission:

Labcorp Genetics (formerly Invitae), Labcorp
Classification: Uncertain significance. Last evaluated: 2022-10-04. Review status: criteria provided, single submitter. Criteria: Invitae Variant Classification Sherloc (09022015). Collection method: clinical testing. Allele origin: germline.
Comment: This sequence change replaces cysteine, which is neutral and slightly polar, with tyrosine, which is neutral and polar, at codon 5 of the COL18A1 protein (p.Cys5Tyr). The frequency data for this variant in the population databases is considered unreliable, as metrics indicate poor data quality at this position in the gnomAD database. This variant has not been reported in the literature in individuals affected with COL18A1-related conditions. ClinVar contains an entry for this variant (Variation ID: 1418518). Experimental studies and prediction algorithms are not available or were not evaluated, and the functional significance of this variant is currently unknown. In summary, the available evidence is currently insufficient to determine the role of this variant in disease. Therefore, it has been classified as a Variant of Uncertain Significance.